The following is an entry in ClinVar:

ClinVar aggregate classification (germline): Uncertain significance (1 of 4 stars; one submission).

gnomAD v4.1: 4 of 1,613,900 alleles (0.00025%); highest among the groups gnomAD compares: East Asian, 0.0067%; no homozygotes.

Submission:

GeneDx
Classification: Uncertain significance. Last evaluated: 2026-03-23. Review status: criteria provided, single submitter. Criteria: GeneDx Variant Classification Process June 2021. Collection method: clinical testing. Allele origin: germline.
Comment: Has not been previously published as pathogenic or benign to our knowledge; In silico analysis is inconclusive as to whether the variant alters gene splicing. In the absence of RNA/functional studies, the actual effect of this sequence change is unknown.

NM_181486.4(TBX5):c.756-6T>G

Gene: TBX5 (T-box transcription factor 5; minus strand). Cytogenetic location: 12q24.21.
Variant type: single nucleotide variant.
Coding change: c.756-6T>G on transcript NM_181486.4 (MANE Select); 6 bases into the intron before coding-DNA position 756, T replaced by G.
Molecular consequence: intron variant.
Genome position (GRCh38, 1-based): chr12:114,366,397, A>C on the plus strand (T>G on the coding strand, the complement: TBX5 is on the minus strand). VCF-style: chr12-114366397-A-C. GRCh37 (hg19) VCF-style: chr12-114804202-A-C.
Other names: c.756-6T>G (NM_000192.3); c.606-6T>G (NM_080717.4).
Identifiers: ClinVar variation 5017236 (VCV005017236.1).